The following is an entry in ClinVar:

ClinVar aggregate classification (germline): Uncertain significance (1 of 4 stars; one submission).

Submission:

Labcorp Genetics (formerly Invitae), Labcorp
Classification: Uncertain significance. Last evaluated: 2024-11-07. Review status: criteria provided, single submitter. Criteria: Invitae Variant Classification Sherloc (09022015). Collection method: clinical testing. Allele origin: germline.
Comment: This sequence change replaces serine, which is neutral and polar, with alanine, which is neutral and non-polar, at codon 982 of the UNC80 protein (p.Ser982Ala). This variant is not present in population databases (gnomAD no frequency). This variant has not been reported in the literature in individuals affected with UNC80-related conditions. An algorithm developed to predict the effect of missense changes on protein structure and function (PolyPhen-2) suggests that this variant is likely to be tolerated. Algorithms developed to predict the effect of sequence changes on RNA splicing suggest that this variant may disrupt the consensus splice site. In summary, the available evidence is currently insufficient to determine the role of this variant in disease. Therefore, it has been classified as a Variant of Uncertain Significance.

NM_001371986.1(UNC80):c.2944T>G (p.Ser982Ala)

Gene: UNC80 (unc-80 subunit of NALCN channel complex; plus strand). Cytogenetic location: 2q34.
Variant type: single nucleotide variant.
Coding change: c.2944T>G on transcript NM_001371986.1 (MANE Select); coding-DNA position 2944, T replaced by G.
Protein change: p.Ser982Ala; replaces serine 982 with alanine.
Molecular consequence: missense variant.
Genome position (GRCh38, 1-based): chr2:209,834,913, T>G. VCF-style: chr2-209834913-T-G. GRCh37 (hg19) VCF-style: chr2-210699637-T-G.
Other names: c.2944T>G, p.Ser982Ala (NM_032504.2); c.2929T>G, p.Ser977Ala (NM_182587.4); short protein forms S977A, S982A.
Identifiers: ClinVar variation 3641411 (VCV003641411.2).